The following is an entry in ClinVar:

ClinVar aggregate classification (germline): Conflicting classifications of pathogenicity. Review status: criteria provided, conflicting classifications (1 of 4 stars). 3 submissions from 3 submitters: Likely pathogenic (1); Uncertain significance (1). 1 of the submissions does not count toward it. Last evaluated 2023-02-13.

Allele frequency attached by ClinVar (database versions not stated): gnomAD 0.00009 and 0.00011; gnomAD exomes 0.00010 and 0.00037; ExAC 0.00012; TOPMed 0.00015; ESP Exome Variant Server 0.00023; 1000 Genomes Project 30x 0.00031; 1000 Genomes Project 0.00040.
gnomAD v4.1: 549 of 1,612,368 alleles (0.034%); highest among the groups gnomAD compares: Non-Finnish European, 0.044%; no homozygotes.

Submissions (4):

Women's Health and Genetics/Laboratory Corporation of America, LabCorp
Classification: Uncertain significance. Last evaluated: 2023-02-13. Review status: criteria provided, single submitter. Criteria: LabCorp Variant Classification Summary - May 2015. Collection method: clinical testing. Allele origin: germline.
Comment: Variant summary: LRPPRC c.2210+4A>C alters a conserved nucleotide located close to a canonical splice site and therefore could affect mRNA splicing, leading to a significantly altered protein sequence. The variant allele was found at a frequency of 0.0001 in 251166 control chromosomes. This frequency is not significantly higher than estimated for a pathogenic variant in LRPPRC causing Leigh Syndrome, French-Canadian Type (0.0001 vs 0.0005), allowing no conclusion about variant significance. c.2210+4A>C has been reported in the literature in an individual tested in a carrier screening (Calpalbo_2019). This report does not provide unequivocal conclusions about association of the variant with Leigh Syndrome, French-Canadian Type. To our knowledge, no experimental evidence demonstrating an impact on protein function has been reported. No clinical diagnostic laboratories have submitted clinical-significance assessments for this variant to ClinVar after 2014. Based on the evidence outlined above, the variant was classified as uncertain significance.

GeneDx
Classification: Likely pathogenic. Last evaluated: 2013-03-27. Review status: criteria provided, single submitter. Criteria: GeneDx Variant Classification (06012015). Collection method: clinical testing. Allele origin: germline. Affected: yes.
Comment: c.2210+4 A>C: IVS21+4 A>C in intron 21 of the LRPPRC gene (NM_133259.3). A c.2210+4 A>C sequence change likely that is likely pathogenic was identified in the LRPPRC gene. It has not been published as a mutation, nor has it been reported as a benign polymorphism to our knowledge. Multiple in-silico splice prediction models predict that c.2210+4 A>C destroys the natural splice donor site in intron 21, which would be expected to cause abnormal gene splicing. However the true effect in vivo in not known. Therefore, c.2210+4 A>C is a strong candidate for a disease-causing mutation, however the possibility that it is a benign variant cannot be excluded. The variant is found in MITONUC-MITOP panel(s).

Department of Pathology and Laboratory Medicine, Sinai Health System
Classification: Uncertain significance. Review status: no assertion criteria provided. Collection method: clinical testing. Allele origin: unknown. Affected: yes. Study: The Canadian Open Genetics Repository (COGR). Not counted in ClinVar's aggregate classification.
Comment: The LRPPRC c.2210+4A>C variant was not identified in the literature but was identified in dbSNP (ID: rs190007694) and ClinVar (classified as likely pathogenic by GeneDx).Â¬â€ The variant was identified in control databases in 27 of 282548 chromosomes at a frequency of 0.00009556, and was observed at the highest frequency in the European (non-Finnish) population in 26 of 128976 chromosomes (freq: 0.0002016) (Genome Aggregation Database March 6, 2019, v2.1.1).Â¬â€ The c.2210+4A>C variant is located in the 5' splice region but does not affect the invariant +1 and +2 positions. However, positions +3 to +6 are part of the splicing consensus sequence and variants involving these positions sometimes affect splicing. Further, two out of three in silico or computational prediction software programs (Splice AI exome, dbscSNV Ada, RF) predict a deleterious effect on splicing. However, this information is not predictive enough to assume pathogenicity.Â¬â€ In summary, based on the above information the clinical significance of this variant cannot be determined with certainty at this time. This variant is classified as a variant of uncertain significance.

Dr. Peter K. Rogan Lab, Western University
No classification provided (evidence only). Condition: Uterine carcinosarcoma. Review status: no classification provided. Collection method: in vitro. Allele origin: not applicable. Functional consequence: retained intron. Not counted in ClinVar's aggregate classification.

Literature cited by the submitters: PubMed 31589614 (cited by Women's Health and Genetics/Laboratory Corporation of America, LabCorp).

NM_133259.4(LRPPRC):c.2210+4A>C

Gene: LRPPRC (leucine rich pentatricopeptide repeat containing; minus strand). Cytogenetic location: 2p21.
Variant type: single nucleotide variant.
Coding change: c.2210+4A>C on transcript NM_133259.4 (MANE Select); 4 bases into the intron after coding-DNA position 2210, A replaced by C.
Molecular consequence: intron variant.
Genome position (GRCh38, 1-based): chr2:43,946,109, T>G on the plus strand (A>C on the coding strand, the complement: LRPPRC is on the minus strand). VCF-style: chr2-43946109-T-G. GRCh37 (hg19) VCF-style: chr2-44173248-T-G.
Other names: NC_000002.11:g.44173248T>G.
Identifiers: ClinVar variation 214611 (VCV000214611.5), dbSNP rs190007694, ClinGen allele CA324233.